The following is an entry in ClinVar:

NM_002691.4(POLD1):c.3125C>A (p.Ser1042Tyr)

Gene: POLD1 (DNA polymerase delta 1, catalytic subunit; plus strand). Cytogenetic location: 19q13.33.
Variant type: single nucleotide variant.
Coding change: c.3125C>A on transcript NM_002691.4 (MANE Select); coding-DNA position 3125, C replaced by A.
Protein change: p.Ser1042Tyr; replaces serine 1042 with tyrosine.
Molecular consequence: missense variant. On other transcripts: non-coding transcript variant (1).
Genome position (GRCh38, 1-based): chr19:50,417,176, C>A. VCF-style: chr19-50417176-C-A. GRCh37 (hg19) VCF-style: chr19-50920433-C-A.
Other names: c.3125C>A, p.Ser1042Tyr (NM_001256849.1); c.3203C>A, p.Ser1068Tyr (NM_001308632.1); c.3125C>A (NM_002691.2); short protein forms S1068Y, S1042Y.
Identifiers: ClinVar variation 659577 (VCV000659577.12), dbSNP rs370868833, ClinGen allele CA309605609.

ClinVar aggregate classification (germline): Conflicting classifications of pathogenicity. Review status: criteria provided, conflicting classifications (1 of 4 stars). 2 submissions from 2 submitters: Uncertain significance (1); Likely benign (1). Last evaluated 2025-09-30.

Conditions:
POLD1-related polyposis and colorectal cancer syndrome (CRCS10). Also called: Colorectal cancer, susceptibility to, 10; Colorectal cancer 10; COLORECTAL CANCER, SUSCEPTIBILITY TO, ON CHROMOSOME 19q. Identifiers: Orphanet 220460, MedGen C2675481, MONDO:0012953, OMIM 612591.
Hereditary cancer-predisposing syndrome. Also called: Hereditary neoplastic syndrome; Tumor predisposition; Hereditary Cancer Syndrome; Neoplastic Syndromes, Hereditary. Identifiers: Orphanet 140162, MedGen C0027672, MeSH D009386, MONDO:0015356.

Allele frequency attached by ClinVar (database versions not stated): gnomAD exomes below 0.00001; TOPMed 0.00001; ESP Exome Variant Server 0.00008.

Submissions (2):

Labcorp Genetics (formerly Invitae), Labcorp
Classification: Uncertain significance for POLD1-related polyposis and colorectal cancer syndrome. Last evaluated: 2025-09-30. Review status: criteria provided, single submitter. Criteria: Invitae Variant Classification Sherloc (09022015). Collection method: clinical testing. Allele origin: germline.
Comment: This sequence change replaces serine, which is neutral and polar, with tyrosine, which is neutral and polar, at codon 1042 of the POLD1 protein (p.Ser1042Tyr). This variant is present in population databases (rs370868833, gnomAD 0.007%). This variant has not been reported in the literature in individuals affected with POLD1-related conditions. ClinVar contains an entry for this variant (Variation ID: 659577). Invitae Evidence Modeling of protein sequence and biophysical properties (such as structural, functional, and spatial information, amino acid conservation, physicochemical variation, residue mobility, and thermodynamic stability) indicates that this missense variant is not expected to disrupt POLD1 protein function with a negative predictive value of 80%. In summary, the available evidence is currently insufficient to determine the role of this variant in disease. Therefore, it has been classified as a Variant of Uncertain Significance.

Ambry Genetics
Classification: Likely benign for Hereditary cancer-predisposing syndrome. Last evaluated: 2024-03-13. Review status: criteria provided, single submitter. Criteria: Ambry Variant Classification Scheme 2023. Collection method: clinical testing. Allele origin: germline.